The following is an entry in ClinVar:

NM_002470.4(MYH3):c.4885C>T (p.Gln1629Ter)

Gene: MYH3 (myosin heavy chain 3; minus strand). Cytogenetic location: 17p13.1.
Variant type: single nucleotide variant.
Coding change: c.4885C>T on transcript NM_002470.4 (MANE Select); coding-DNA position 4885, C replaced by T.
Protein change: p.Gln1629Ter; replaces glutamine 1629 with a stop codon.
Molecular consequence: nonsense.
Genome position (GRCh38, 1-based): chr17:10,632,547, G>A on the plus strand (C>T on the coding strand, the complement: MYH3 is on the minus strand). VCF-style: chr17-10632547-G-A. GRCh37 (hg19) VCF-style: chr17-10535864-G-A.
Other names: short protein forms Q1629*.
Identifiers: ClinVar variation 2029969 (VCV002029969.4), dbSNP rs2508571701, ClinGen allele CA398136438.

ClinVar aggregate classification (germline): Pathogenic (1 of 4 stars; one submission).

Submission:

Labcorp Genetics (formerly Invitae), Labcorp
Classification: Pathogenic. Last evaluated: 2022-09-12. Review status: criteria provided, single submitter. Criteria: Invitae Variant Classification Sherloc (09022015). Collection method: clinical testing. Allele origin: germline.
Comment: For these reasons, this variant has been classified as Pathogenic. This variant has not been reported in the literature in individuals affected with MYH3-related conditions. This variant is not present in population databases (gnomAD no frequency). This sequence change creates a premature translational stop signal (p.Gln1629*) in the MYH3 gene. It is expected to result in an absent or disrupted protein product. Loss-of-function variants in MYH3 are known to be pathogenic (PMID: 29805041, 30008475).

Literature cited by the submitters: PubMed 29805041; PubMed 30008475.